The following is an entry in ClinVar:

ClinVar aggregate classification (germline): Uncertain significance (1 of 4 stars; one submission).

Conditions:
Developmental and epileptic encephalopathy, 1 (DEE1). Also called: Epileptic encephalopathy, early infantile, 1; X-linked infantile spasms; West's syndrome; Tonic spasms with clustering, arrest of psychomotor development and hypsarrhythmia on EEG; X-Linked Infantile Spasm Syndrome; OHTAHARA SYNDROME, X-LINKED. Identifiers: MedGen C3463992, MONDO:0010632, OMIM 308350. Disease mechanism: loss of function.
Autosomal recessive spinocerebellar ataxia 12. Also called: SPINOCEREBELLAR ATAXIA WITH MENTAL RETARDATION AND EPILEPSY. Identifiers: Orphanet 284282, MedGen C3280452, MONDO:0013687, OMIM 614322.

Allele frequency attached by ClinVar (database versions not stated): gnomAD exomes 0.00001; TOPMed 0.00001; ExAC 0.00002.

Submission:

Labcorp Genetics (formerly Invitae), Labcorp
Classification: Uncertain significance for Developmental and epileptic encephalopathy, 1; Autosomal recessive spinocerebellar ataxia 12. Last evaluated: 2022-04-08. Review status: criteria provided, single submitter. Criteria: Invitae Variant Classification Sherloc (09022015). Collection method: clinical testing. Allele origin: germline.
Comment: This sequence change replaces valine, which is neutral and non-polar, with methionine, which is neutral and non-polar, at codon 202 of the WWOX protein (p.Val202Met). This variant is present in population databases (rs765341902, gnomAD 0.002%). This variant has not been reported in the literature in individuals affected with WWOX-related conditions. Algorithms developed to predict the effect of missense changes on protein structure and function output the following: SIFT: "Not Available"; PolyPhen-2: "Benign"; Align-GVGD: "Not Available". The methionine amino acid residue is found in multiple mammalian species, which suggests that this missense change does not adversely affect protein function. In summary, the available evidence is currently insufficient to determine the role of this variant in disease. Therefore, it has been classified as a Variant of Uncertain Significance.

NM_016373.4(WWOX):c.604G>A (p.Val202Met)

Gene: WWOX (WW domain containing oxidoreductase; plus strand). Cytogenetic location: 16q23.1.
Variant type: single nucleotide variant.
Coding change: c.604G>A on transcript NM_016373.4 (MANE Select); coding-DNA position 604, G replaced by A.
Protein change: p.Val202Met; replaces valine 202 with methionine.
Molecular consequence: missense variant.
Genome position (GRCh38, 1-based): chr16:78,386,947, G>A. VCF-style: chr16-78386947-G-A. GRCh37 (hg19) VCF-style: chr16-78420844-G-A.
Other names: c.265G>A, p.Val89Met (NM_001291997.2); short protein forms V89M, V202M.
Identifiers: ClinVar variation 2157184 (VCV002157184.1), dbSNP rs765341902, ClinGen allele CA8183349.
Genomic context (GRCh38, chr16:78,386,947, plus strand): 5'-CTGGACCTCGCTCTGCTCCGTAGCGTGCAGCATTTTGCTGAAGCATTCAAGGCCAAGAAT[G>A]TGTGAGTGTTCCAGTGGAGGGTTATAGATCATAATTTCTTGCTATTGTAATATCTTTATC-3'
Protein context (NP_057457.1, residues 192-212): HFAEAFKAKN[Val202Met]PLHVLVCNAA